The following is an entry in ClinVar:

ClinVar aggregate classification (germline): Uncertain significance (1 of 4 stars; one submission).

Submission:

Labcorp Genetics (formerly Invitae), Labcorp
Classification: Uncertain significance. Last evaluated: 2022-10-26. Review status: criteria provided, single submitter. Criteria: Invitae Variant Classification Sherloc (09022015). Collection method: clinical testing. Allele origin: germline.
Comment: This sequence change replaces proline, which is neutral and non-polar, with serine, which is neutral and polar, at codon 378 of the ARIH1 protein (p.Pro378Ser). This variant is not present in population databases (gnomAD no frequency). In summary, the available evidence is currently insufficient to determine the role of this variant in disease. Therefore, it has been classified as a Variant of Uncertain Significance. Algorithms developed to predict the effect of missense changes on protein structure and function (SIFT, PolyPhen-2, Align-GVGD) all suggest that this variant is likely to be tolerated. This variant has not been reported in the literature in individuals affected with ARIH1-related conditions.

NM_005744.5(ARIH1):c.1132C>T (p.Pro378Ser)

Gene: ARIH1 (ariadne RBR E3 ubiquitin protein ligase 1; plus strand). Cytogenetic location: 15q24.1.
Variant type: single nucleotide variant.
Coding change: c.1132C>T on transcript NM_005744.5 (MANE Select); coding-DNA position 1132, C replaced by T.
Protein change: p.Pro378Ser; replaces proline 378 with serine.
Molecular consequence: missense variant.
Genome position (GRCh38, 1-based): chr15:72,570,282, C>T. VCF-style: chr15-72570282-C-T. GRCh37 (hg19) VCF-style: chr15-72862623-C-T.
Other names: short protein forms P378S.
Identifiers: ClinVar variation 2036894 (VCV002036894.4), dbSNP rs2542768230, ClinGen allele CA393241231.
Genomic context (GRCh38, chr15:72,570,282, plus strand): 5'-AATCACATGGTCTGTCGTAACCAGAATTGTAAAGCAGAGTTTTGCTGGGTGTGTCTTGGC[C>T]CATGGGAACCACATGGATCTGCCTGGTAGGTTGGGGAAATTAAGGGAAGAATGTGTTTAC-3'
Protein context (NP_005735.2, residues 368-388): KAEFCWVCLG[Pro378Ser]WEPHGSAWYN